The following is an entry in ClinVar:

ClinVar aggregate classification (germline): Conflicting classifications of pathogenicity. Review status: criteria provided, conflicting classifications (1 of 4 stars). 2 submissions from 2 submitters: Uncertain significance (1); Likely benign (1). Last evaluated 2025-10-22.

Conditions:
Adams-Oliver syndrome 5 (AOS5). Identifiers: Orphanet 974, MedGen C4014970, MONDO:0014459, OMIM 616028.
Familial thoracic aortic aneurysm and aortic dissection (TAAD). Also called: Thoracic aortic aneurysms and dissections. Identifiers: Orphanet 91387, MedGen C4707243, MONDO:0019625.

Submissions (2):

Labcorp Genetics (formerly Invitae), Labcorp
Classification: Likely benign for Adams-Oliver syndrome 5. Last evaluated: 2025-10-22. Review status: criteria provided, single submitter. Criteria: Invitae Variant Classification Sherloc (09022015). Collection method: clinical testing. Allele origin: germline.

Ambry Genetics
Classification: Uncertain significance for Familial thoracic aortic aneurysm and aortic dissection. Last evaluated: 2024-11-15. Review status: criteria provided, single submitter. Criteria: Ambry Variant Classification Scheme 2023. Collection method: clinical testing. Allele origin: germline.
Comment: The p.G898D variant (also known as c.2693G>A), located in coding exon 17 of the NOTCH1 gene, results from a G to A substitution at nucleotide position 2693. The glycine at codon 898 is replaced by aspartic acid, an amino acid with similar properties. This amino acid position is highly conserved in available vertebrate species. In addition, this alteration is predicted to be deleterious by in silico analysis. Based on the available evidence, the clinical significance of this variant remains unclear.

NM_017617.5(NOTCH1):c.2693G>A (p.Gly898Asp)

Gene: NOTCH1 (notch receptor 1; minus strand). Cytogenetic location: 9q34.3.
Variant type: single nucleotide variant.
Coding change: c.2693G>A on transcript NM_017617.5 (MANE Select); coding-DNA position 2693, G replaced by A.
Protein change: p.Gly898Asp; replaces glycine 898 with aspartic acid.
Molecular consequence: missense variant.
Genome position (GRCh38, 1-based): chr9:136,510,700, C>T on the plus strand (G>A on the coding strand, the complement: NOTCH1 is on the minus strand). VCF-style: chr9-136510700-C-T. GRCh37 (hg19) VCF-style: chr9-139405152-C-T.
Other names: short protein forms G898D.
Identifiers: ClinVar variation 3406820 (VCV003406820.2).